The following is an entry in ClinVar:

ClinVar aggregate classification (germline): Uncertain significance. Review status: criteria provided, multiple submitters, no conflicts (2 of 4 stars). 2 submissions from 2 submitters: Uncertain significance (2). Last evaluated 2025-06-17.

Conditions:
Inborn genetic diseases. Identifiers: MedGen C0950123, MeSH D030342.

Allele frequency attached by ClinVar (database versions not stated): gnomAD exomes below 0.00001; ExAC 0.00001; TOPMed 0.00002; gnomAD 0.00003.

Submissions (2):

Ambry Genetics
Classification: Uncertain significance for Inborn genetic diseases. Last evaluated: 2025-06-17. Review status: criteria provided, single submitter. Criteria: Ambry Variant Classification Scheme 2023. Collection method: clinical testing. Allele origin: germline.

Labcorp Genetics (formerly Invitae), Labcorp
Classification: Uncertain significance. Last evaluated: 2023-08-04. Review status: criteria provided, single submitter. Criteria: Invitae Variant Classification Sherloc (09022015). Collection method: clinical testing. Allele origin: germline.
Comment: An algorithm developed to predict the effect of missense changes on protein structure and function (PolyPhen-2) suggests that this variant is likely to be disruptive. ClinVar contains an entry for this variant (Variation ID: 1525344). This variant has not been reported in the literature in individuals affected with AP3B2-related conditions. The frequency data for this variant in the population databases is considered unreliable, as metrics indicate poor data quality at this position in the gnomAD database. This sequence change replaces tyrosine, which is neutral and polar, with cysteine, which is neutral and slightly polar, at codon 270 of the AP3B2 protein (p.Tyr270Cys). In summary, the available evidence is currently insufficient to determine the role of this variant in disease. Therefore, it has been classified as a Variant of Uncertain Significance.

NM_001278512.2(AP3B2):c.809A>G (p.Tyr270Cys)

Genes: AP3B2 (adaptor related protein complex 3 subunit beta 2; minus strand), CPEB1-AS1 (CPEB1 antisense RNA 1; plus strand). Cytogenetic location: 15q25.2.
Variant type: single nucleotide variant.
Coding change: c.809A>G on transcript NM_001278512.2 (MANE Select); coding-DNA position 809, A replaced by G.
Protein change: p.Tyr270Cys; replaces tyrosine 270 with cysteine.
Molecular consequence: missense variant.
Genome position (GRCh38, 1-based): chr15:82,680,718, T>C on the plus strand (A>G on the coding strand, the complement: AP3B2 is on the minus strand). VCF-style: chr15-82680718-T-C. GRCh37 (hg19) VCF-style: chr15-83349470-T-C.
Other names: c.809A>G (NM_004644.3); c.713A>G, p.Tyr238Cys (NM_001278511.2); c.809A>G, p.Tyr270Cys (NM_004644.5); short protein forms Y270C, Y238C.
Identifiers: ClinVar variation 1525344 (VCV001525344.7), dbSNP rs755080944, ClinGen allele CA7700391.